The following is an entry in ClinVar:

ClinVar aggregate classification (germline): Uncertain significance (1 of 4 stars; one submission).

Allele frequency attached by ClinVar (database versions not stated): gnomAD exomes below 0.00001; TOPMed below 0.00001.
gnomAD v4.1: 4 of 1,608,098 alleles (0.00025%); highest among the groups gnomAD compares: Non-Finnish European, 0.00034%; no homozygotes.

Submission:

Labcorp Genetics (formerly Invitae), Labcorp
Classification: Uncertain significance. Last evaluated: 2024-06-14. Review status: criteria provided, single submitter. Criteria: Invitae Variant Classification Sherloc (09022015). Collection method: clinical testing. Allele origin: germline.
Comment: This sequence change replaces threonine, which is neutral and polar, with alanine, which is neutral and non-polar, at codon 301 of the ANGPT1 protein (p.Thr301Ala). This variant is not present in population databases (gnomAD no frequency). This variant has not been reported in the literature in individuals affected with ANGPT1-related conditions. ClinVar contains an entry for this variant (Variation ID: 1410914). An algorithm developed to predict the effect of missense changes on protein structure and function (PolyPhen-2) suggests that this variant is likely to be tolerated. In summary, the available evidence is currently insufficient to determine the role of this variant in disease. Therefore, it has been classified as a Variant of Uncertain Significance.

NM_001146.5(ANGPT1):c.901A>G (p.Thr301Ala)

Gene: ANGPT1 (angiopoietin 1; minus strand). Cytogenetic location: 8q23.1.
Variant type: single nucleotide variant.
Coding change: c.901A>G on transcript NM_001146.5 (MANE Select); coding-DNA position 901, A replaced by G.
Protein change: p.Thr301Ala; replaces threonine 301 with alanine.
Molecular consequence: missense variant.
Genome position (GRCh38, 1-based): chr8:107,303,275, T>C on the plus strand (A>G on the coding strand, the complement: ANGPT1 is on the minus strand). VCF-style: chr8-107303275-T-C. GRCh37 (hg19) VCF-style: chr8-108315503-T-C.
Other names: c.898A>G, p.Thr300Ala (NM_001199859.3); c.301A>G, p.Thr101Ala (NM_001314051.2); short protein forms T101A, T300A, T301A.
Identifiers: ClinVar variation 1410914 (VCV001410914.6), dbSNP rs1296188303, ClinGen allele CA372033281.